The following is an entry in ClinVar:

NM_000540.3(RYR1):c.14343C>T (p.Phe4781=)

Gene: RYR1 (ryanodine receptor 1; plus strand). Cytogenetic location: 19q13.2.
Variant type: single nucleotide variant.
Coding change: c.14343C>T on transcript NM_000540.3 (MANE Select); coding-DNA position 14343, C replaced by T.
Protein change: p.Phe4781=; no amino-acid change (phenylalanine 4781 retained).
Molecular consequence: synonymous variant.
Genome position (GRCh38, 1-based): chr19:38,578,183, C>T. VCF-style: chr19-38578183-C-T. GRCh37 (hg19) VCF-style: chr19-39068823-C-T.
Other names: c.14328C>T, p.Phe4776= (NM_001042723.2).
Identifiers: ClinVar variation 391773 (VCV000391773.10), dbSNP rs772641878, ClinGen allele CA061121.

ClinVar aggregate classification (germline): Likely benign. Review status: criteria provided, multiple submitters, no conflicts (2 of 4 stars). 3 submissions from 3 submitters: Likely benign (3). Last evaluated 2024-10-05.

Conditions:
RYR1-related disorder. Also called: RYR1-related condition; RYR1-related disorders. Identifiers: MedGen CN239331.

Allele frequency attached by ClinVar (database versions not stated): gnomAD exomes 0.00001 and 0.00003; gnomAD 0.00003 and 0.00004; ExAC 0.00004; TOPMed 0.00005.
gnomAD v4.1: 26 of 1,613,448 alleles (0.0016%); highest among the groups gnomAD compares: East Asian, 0.0067%; no homozygotes.

Submissions (3):

Labcorp Genetics (formerly Invitae), Labcorp
Classification: Likely benign for RYR1-related disorder. Last evaluated: 2024-10-05. Review status: criteria provided, single submitter. Criteria: Invitae Variant Classification Sherloc (09022015). Collection method: clinical testing. Allele origin: germline.

Blueprint Genetics
Classification: Likely benign. Last evaluated: 2023-10-31. Review status: criteria provided, single submitter. Criteria: ACMG Guidelines, 2015. Collection method: clinical testing. Allele origin: germline.

GeneDx
Classification: Likely benign. Last evaluated: 2016-12-15. Review status: criteria provided, single submitter. Criteria: GeneDx Variant Classification (06012015). Collection method: clinical testing. Allele origin: germline. Affected: yes.
Comment: This variant is considered likely benign or benign based on one or more of the following criteria: it is a conservative change, it occurs at a poorly conserved position in the protein, it is predicted to be benign by multiple in silico algorithms, and/or has population frequency not consistent with disease.